The following is an entry in ClinVar:

NM_006160.4(NEUROD2):c.652G>T (p.Glu218Ter)

Gene: NEUROD2 (neuronal differentiation 2; minus strand). Cytogenetic location: 17q12.
Variant type: single nucleotide variant.
Coding change: c.652G>T on transcript NM_006160.4 (MANE Select); coding-DNA position 652, G replaced by T.
Protein change: p.Glu218Ter; replaces glutamic acid 218 with a stop codon.
Molecular consequence: nonsense.
Genome position (GRCh38, 1-based): chr17:39,605,948, C>A on the plus strand (G>T on the coding strand, the complement: NEUROD2 is on the minus strand). VCF-style: chr17-39605948-C-A. GRCh37 (hg19) VCF-style: chr17-37762201-C-A.
Other names: short protein forms E218*.
Identifiers: ClinVar variation 1804464 (VCV001804464.1), dbSNP rs1281922847, ClinGen allele CA399259621.

ClinVar aggregate classification (germline): Uncertain significance (1 of 4 stars; one submission).

Submission:

GeneDx
Classification: Uncertain significance. Last evaluated: 2022-06-17. Review status: criteria provided, single submitter. Criteria: GeneDx Variant Classification Process June 2021. Collection method: clinical testing. Allele origin: germline. Affected: yes.
Comment: Not observed at significant frequency in large population cohorts (gnomAD); Nonsense variant predicted to result in protein truncation as the last 165 amino acids are lost, although loss-of-function variants have not been reported downstream of this position in the protein; Has not been previously published as pathogenic or benign to our knowledge